The following is an entry in ClinVar:

NM_001378743.1(CYLD):c.2412C>T (p.Asp804=)

Genes: CYLD (CYLD lysine 63 deubiquitinase; plus strand), CYLD-AS2 (CYLD antisense RNA 2; minus strand). Cytogenetic location: 16q12.1.
Variant type: single nucleotide variant.
Coding change: c.2412C>T on transcript NM_001378743.1 (MANE Select); coding-DNA position 2412, C replaced by T.
Protein change: p.Asp804=; no amino-acid change (aspartic acid 804 retained).
Molecular consequence: synonymous variant. On other transcripts: non-coding transcript variant (1).
Genome position (GRCh38, 1-based): chr16:50,793,607, C>T. VCF-style: chr16-50793607-C-T. GRCh37 (hg19) VCF-style: chr16-50827518-C-T.
Other names: c.2403C>T (NM_001042355.1); c.2403C>T, p.Asp801= (NM_001042355.2, NM_001042412.3, NM_001378744.1 and 6 more transcripts); c.2373C>T, p.Asp791= (NM_001378751.1, NM_001378752.1, NM_001378753.1); c.1737C>T, p.Asp579= (NM_001378754.1, NM_001378755.1); c.2412C>T, p.Asp804= (NM_015247.3).
Identifiers: ClinVar variation 319508 (VCV000319508.14), dbSNP rs2066852, ClinGen allele CA8052618.

ClinVar aggregate classification (germline): Benign. Review status: criteria provided, multiple submitters, no conflicts (2 of 4 stars). 8 submissions from 6 submitters: Benign (8). Last evaluated 2026-02-04.

Conditions:
Familial multiple trichoepitheliomata. Also called: Familial multiple trichoepithelioma. Identifiers: Orphanet 79493, Orphanet 867, MedGen C1275122, MONDO:0011114.
Trichoepithelioma, multiple familial, 1 (MFT1). Also called: EPITHELIOMA ADENOIDES CYSTICUM OF BROOKE; EPITHELIOMA, HEREDITARY MULTIPLE BENIGN CYSTIC; BROOKE-FORDYCE TRICHOEPITHELIOMAS. Identifiers: MedGen CN296585, MONDO:0042977, OMIM 601606.
Brooke-Spiegler syndrome. Also called: CYLD Cutaneous Syndrome. Identifiers: Orphanet 79493, MedGen C1857941, MONDO:0011512, OMIM 605041.
Familial cylindromatosis. Also called: Turban tumor syndrome; ANCELL-SPIEGLER CYLINDROMAS. Identifiers: Orphanet 211, Orphanet 79493, MedGen C1851526, MONDO:0007565, OMIM 132700.

Allele frequency attached by ClinVar (database versions not stated): gnomAD 0.05803 and 0.06421; TOPMed 0.05976; ESP Exome Variant Server 0.06304; 1000 Genomes Project 30x 0.07730; 1000 Genomes Project 0.07907; gnomAD exomes 0.08509; ExAC 0.08548.
gnomAD v4.1: 130,203 of 1,613,574 alleles (8.1%); highest among the groups gnomAD compares: South Asian, 23%; 7,015 homozygotes.

Submissions (8):

Labcorp Genetics (formerly Invitae), Labcorp
Classification: Benign. Last evaluated: 2026-02-04. Review status: criteria provided, single submitter. Criteria: Invitae Variant Classification Sherloc (09022015). Collection method: clinical testing. Allele origin: germline.

Blueprint Genetics
Classification: Benign. Last evaluated: 2024-11-27. Review status: criteria provided, single submitter. Criteria: ACMG Guidelines, 2015. Collection method: clinical testing. Allele origin: germline.

KCCC/NGS Laboratory, Kuwait Cancer Control Center
Classification: Benign for Trichoepithelioma, multiple familial, 1. Last evaluated: 2023-07-07. Review status: criteria provided, single submitter. Criteria: ACMG Guidelines, 2015. Collection method: clinical testing. Allele origin: germline. Affected: yes.

GeneDx
Classification: Benign. Last evaluated: 2018-06-22. Review status: criteria provided, single submitter. Criteria: GeneDx Variant Classification Process June 2021. Collection method: clinical testing. Allele origin: germline. Affected: yes.

Illumina Laboratory Services, Illumina
Classification: Benign for Brooke-Spiegler syndrome. Last evaluated: 2018-01-13. Review status: criteria provided, single submitter. Criteria: ICSL Variant Classification Criteria 13 December 2019. Collection method: clinical testing. Allele origin: germline.
Comment: This variant was observed in the ICSL laboratory as part of a predisposition screen in an ostensibly healthy population. It had not been previously curated by ICSL or reported in the Human Gene Mutation Database (HGMD: prior to June 1st, 2018), and was therefore a candidate for classification through an automated scoring system. Utilizing variant allele frequency, disease prevalence and penetrance estimates, and inheritance mode, an automated score was calculated to assess if this variant is too frequent to cause the disease. Based on the score and internal cut-off values, a variant classified as benign is not then subjected to further curation. The score for this variant resulted in a classification of benign for this disease.

Illumina Laboratory Services, Illumina
Classification: Benign for Trichoepithelioma, multiple familial, 1. Last evaluated: 2018-01-13. Review status: criteria provided, single submitter. Criteria: ICSL Variant Classification Criteria 13 December 2019. Collection method: clinical testing. Allele origin: germline.
Comment: the same text as in the submission from Illumina Laboratory Services, Illumina above.

Illumina Laboratory Services, Illumina
Classification: Benign for Familial cylindromatosis. Last evaluated: 2018-01-13. Review status: criteria provided, single submitter. Criteria: ICSL Variant Classification Criteria 13 December 2019. Collection method: clinical testing. Allele origin: germline.
Comment: the same text as in the submission from Illumina Laboratory Services, Illumina above.

Breakthrough Genomics
Classification: Benign. Review status: criteria provided, single submitter. Criteria: ACMG Guidelines, 2015. Collection method: not provided. Allele origin: germline. Inheritance: Autosomal dominant inheritance. Affected: yes.